The following is an entry in ClinVar:

GRCh37/hg19 Xp22.33-22.31(chrX:540087-8667509)x1

Genes: ANOS1 (anosmin 1; minus strand), ARSD (arylsulfatase D; minus strand), ARSD-AS1 (ARSD antisense RNA 1; plus strand), ARSF (arylsulfatase F; plus strand), ARSH (arylsulfatase family member H; plus strand) and 13 more. Cytogenetic location: Xp22.33-22.31.
Variant type: copy number loss.
Change: copy number 1 of chrX:540,087-8,667,509 (8.13 Mb, GRCh37 coordinates, 1-based), cytogenetic band Xp22.33-22.31.
Identifiers: ClinVar variation 3391944 (VCV003391944.1).

ClinVar aggregate classification (germline): Pathogenic (1 of 4 stars; one submission).

Submission:

Quest Diagnostics Nichols Institute San Juan Capistrano
Classification: Pathogenic. Last evaluated: 2024-05-04. Review status: criteria provided, single submitter. Criteria: ACMG/ClinGen CNV Guidelines, 2019. Collection method: clinical testing. Allele origin: unknown.
Comment: This loss involves multiple genes determined to be haploinsufficient (Rehm 2015): SHOX (OMIM 312865; CCID:007845), STS (OMIM 300747; CCID:007950), and multiple exons (NM_000216.4) of the 3' portion of ANOS1 (OMIM 300836; CCID:006669). The current interval fully encompasses the Xp22.31 recurrent region (ISCA-37417; Brcic 2020, Gubb 2020, Kent 2008, Myers 2020). Additionally, deletions contained within the current interval that either partially or fully overlapping ANOS1 have been reported (Goncalves 2017, Marlin 2013, Nagai 2017). Thus, this copy number variant (CNV) is classified as pathogenic. References: Brcic et al., J Med Genet. 2020 Oct;57(10):692-698. PMID: 32139392; Goncalves et al., Hum Reprod. 2017 Mar 1;32(3):704-711. PMID: 28122887; Gubb et al., Hum Mol Genet. 2020 Oct 10;29(17):2872-2881. PMID: 32766777; Kent et al., J Med Genet. 2008 Aug;45(8):519-24. PMID: 18413370; Marlin et al., Otol Neurotol. 2013 Dec;34(9):1590-4. PMID: 24232061; Myers et al., Pediatr Neurol. 2020 Jul;108:113-116. PMID: 32299744; Nagai et al., Cytogenet Genome Res. 2017;151(1):1-4. PMID: 28253503; Rehm et al., N Engl J Med. 2015 Jun 4;372(23):2235-42. PMID: 26014595